The following is an entry in ClinVar:

NM_000540.3(RYR1):c.2325C>T (p.Leu775=)

Gene: RYR1 (ryanodine receptor 1; plus strand). Cytogenetic location: 19q13.2.
Variant type: single nucleotide variant.
Coding change: c.2325C>T on transcript NM_000540.3 (MANE Select); coding-DNA position 2325, C replaced by T.
Protein change: p.Leu775=; no amino-acid change (leucine 775 retained).
Molecular consequence: synonymous variant.
Genome position (GRCh38, 1-based): chr19:38,459,303, C>T. VCF-style: chr19-38459303-C-T. GRCh37 (hg19) VCF-style: chr19-38949943-C-T.
Other names: c.2325C>T, p.Leu775= (NM_001042723.2).
Identifiers: ClinVar variation 544491 (VCV000544491.16), dbSNP rs536224296, ClinGen allele CA063114.

ClinVar aggregate classification (germline): Likely benign. Review status: criteria provided, multiple submitters, no conflicts (2 of 4 stars). 4 submissions from 4 submitters: Likely benign (4). Last evaluated 2025-06-18.

Conditions:
RYR1-related disorder. Also called: RYR1-related condition; RYR1-related disorders. Identifiers: MedGen CN239331.
Malignant hyperthermia, susceptibility to, 1 (MHS1). Also called: RYR1-Related Malignant Hyperthermia Susceptibility; Malignant hyperthermia suceptibility 1; Anesthesia related hyperthermia; Malignant hyperpyrexia; Fulminating hyperpyrexia; Pharmacogenic myopathy. Identifiers: Orphanet 423, MedGen C2930980, MONDO:0007783, OMIM 145600.

Allele frequency attached by ClinVar (database versions not stated): gnomAD 0.00001; TOPMed 0.00005; ExAC 0.00007; gnomAD exomes 0.00008; 1000 Genomes Project 0.00020; 1000 Genomes Project 30x 0.00031.
gnomAD v4.1: 21 of 1,614,094 alleles (0.0013%); highest among the groups gnomAD compares: East Asian, 0.042%; no homozygotes.

Submissions (4):

Labcorp Genetics (formerly Invitae), Labcorp
Classification: Likely benign for RYR1-related disorder. Last evaluated: 2025-06-18. Review status: criteria provided, single submitter. Criteria: Invitae Variant Classification Sherloc (09022015). Collection method: clinical testing. Allele origin: germline.

All of Us Research Program, National Institutes of Health
Classification: Likely benign for Malignant hyperthermia, susceptibility to, 1. Last evaluated: 2024-06-11. Review status: criteria provided, single submitter. Criteria: ACMG Guidelines, 2015. Collection method: clinical testing. Allele origin: germline. Inheritance: Autosomal dominant inheritance. Observed: 4 variant alleles, 4 heterozygotes.
Comment: This study involves interpretation of variants in research participants for the purpose of population health screening. Participant phenotype was not available at the time of variant classification. Additional details can be found in publication PMID: 35346344, PMCID: PMC8962531

Color Diagnostics, LLC DBA Color Health
Classification: Likely benign for Malignant hyperthermia, susceptibility to, 1. Last evaluated: 2022-11-06. Review status: criteria provided, single submitter. Criteria: ACMG Guidelines, 2015. Collection method: clinical testing. Allele origin: germline.

Blueprint Genetics
Classification: Likely benign. Last evaluated: 2022-10-28. Review status: criteria provided, single submitter. Criteria: ACMG Guidelines, 2015. Collection method: clinical testing. Allele origin: germline.